The following is an entry in ClinVar:

ClinVar aggregate classification (germline): Uncertain significance. Review status: criteria provided, multiple submitters, no conflicts (2 of 4 stars). 3 submissions from 3 submitters: Uncertain significance (3). Last evaluated 2026-07-02.

Conditions:
Pyruvate carboxylase deficiency. Also called: ATAXIA WITH LACTIC ACIDOSIS II; LEIGH NECROTIZING ENCEPHALOPATHY DUE TO PYRUVATE CARBOXYLASE DEFICIENCY; LEIGH SYNDROME DUE TO PYRUVATE CARBOXYLASE DEFICIENCY; PC DEFICIENCY; Pyruvate Carboxylase Deficiency Disease. Identifiers: Orphanet 3008, MedGen C0034341, MONDO:0009949, OMIM 266150.
Inborn genetic diseases. Identifiers: MedGen C0950123, MeSH D030342.

gnomAD v4.1: 159 of 1,611,062 alleles (0.0099%); highest among the groups gnomAD compares: Middle Eastern, 0.016%; no homozygotes.

Submissions (3):

GeneDx
Classification: Uncertain significance. Last evaluated: 2026-07-02. Review status: criteria provided, single submitter. Criteria: GeneDx Variant Classification Process June 2021. Collection method: clinical testing. Allele origin: germline.
Comment: In silico analysis suggests that this missense variant does not alter protein structure/function; Has not been previously published as pathogenic or benign to our knowledge

Ambry Genetics
Classification: Uncertain significance for Inborn genetic diseases. Last evaluated: 2025-04-02. Review status: criteria provided, single submitter. Criteria: Ambry Variant Classification Scheme 2023. Collection method: clinical testing. Allele origin: germline.

Labcorp Genetics (formerly Invitae), Labcorp
Classification: Uncertain significance for Pyruvate carboxylase deficiency. Last evaluated: 2022-02-17. Review status: criteria provided, single submitter. Criteria: Invitae Variant Classification Sherloc (09022015). Collection method: clinical testing. Allele origin: germline.
Comment: This sequence change replaces aspartic acid, which is acidic and polar, with asparagine, which is neutral and polar, at codon 341 of the PC protein (p.Asp341Asn). This variant is present in population databases (rs370810518, gnomAD 0.04%). This variant has not been reported in the literature in individuals affected with PC-related conditions. Algorithms developed to predict the effect of missense changes on protein structure and function (SIFT, PolyPhen-2, Align-GVGD) all suggest that this variant is likely to be tolerated. In summary, the available evidence is currently insufficient to determine the role of this variant in disease. Therefore, it has been classified as a Variant of Uncertain Significance.

NM_001040716.2(PC):c.1021G>A (p.Asp341Asn)

Genes: PC (pyruvate carboxylase; minus strand), LOC130006142 (ATAC-STARR-seq lymphoblastoid active region 5058; plus strand). Cytogenetic location: 11q13.2.
Variant type: single nucleotide variant.
Coding change: c.1021G>A on transcript NM_001040716.2 (MANE Select); coding-DNA position 1021, G replaced by A.
Protein change: p.Asp341Asn; replaces aspartic acid 341 with asparagine.
Molecular consequence: missense variant.
Genome position (GRCh38, 1-based): chr11:66,868,847, C>T on the plus strand (G>A on the coding strand, the complement: PC is on the minus strand). VCF-style: chr11-66868847-C-T. GRCh37 (hg19) VCF-style: chr11-66636318-C-T.
Other names: c.1021G>A (NM_000920.3); c.1021G>A, p.Asp341Asn (NM_000920.4, NM_022172.3); short protein forms D341N.
Identifiers: ClinVar variation 2197575 (VCV002197575.4), dbSNP rs370810518, ClinGen allele CA6132038.